The following is an entry in ClinVar:

NM_000138.5(FBN1):c.5917+2T>C

Gene: FBN1 (fibrillin 1; minus strand). Cytogenetic location: 15q21.1.
Variant type: single nucleotide variant.
Coding change: c.5917+2T>C on transcript NM_000138.5 (MANE Select); the canonical splice donor site of the intron after coding-DNA position 5917, T replaced by C.
Molecular consequence: splice donor variant.
Genome position (GRCh38, 1-based): chr15:48,445,374, A>G on the plus strand (T>C on the coding strand, the complement: FBN1 is on the minus strand). VCF-style: chr15-48445374-A-G. GRCh37 (hg19) VCF-style: chr15-48737571-A-G.
Other names: c.5917+2T>C (NM_001406716.1).
Identifiers: ClinVar variation 3340275 (VCV003340275.1).

ClinVar aggregate classification (germline): Likely pathogenic (1 of 4 stars; one submission).

Submission:

GeneDx
Classification: Likely pathogenic. Last evaluated: 2023-09-27. Review status: criteria provided, single submitter. Criteria: GeneDx Variant Classification Process June 2021. Collection method: clinical testing. Allele origin: germline. Affected: yes.
Comment: Has been reported in association with Marfan syndrome (Yang et al., 2016); Not observed at significant frequency in large population cohorts (gnomAD); Deletions involving coding exons of this gene are a known mechanism of disease (HGMD); Canonical splice site variant predicted to result in an in-frame loss of the adjacent exon in a gene for which loss of function is a known mechanism of disease; This variant is associated with the following publications: (PMID: 27611364)